The following is an entry in ClinVar:

ClinVar aggregate classification (germline): Uncertain significance (1 of 4 stars; one submission).

Conditions:
Congenital sensory neuropathy with selective loss of small myelinated fibers (HSAN5). Also called: HSAN Type V. Identifiers: Orphanet 64752, MedGen C0020075, MONDO:0012092, OMIM 608654.

Submission:

Labcorp Genetics (formerly Invitae), Labcorp
Classification: Uncertain significance for Congenital sensory neuropathy with selective loss of small myelinated fibers. Last evaluated: 2021-01-24. Review status: criteria provided, single submitter. Criteria: Invitae Variant Classification Sherloc (09022015). Collection method: clinical testing. Allele origin: germline.
Comment: Algorithms developed to predict the effect of missense changes on protein structure and function (SIFT, PolyPhen-2, Align-GVGD) all suggest that this variant is likely to be tolerated, but these predictions have not been confirmed by published functional studies and their clinical significance is uncertain. In summary, the available evidence is currently insufficient to determine the role of this variant in disease. Therefore, it has been classified as a Variant of Uncertain Significance. Algorithms developed to predict the effect of sequence changes on RNA splicing suggest that this variant may create or strengthen a splice site, but this prediction has not been confirmed by published transcriptional studies. This variant has not been reported in the literature in individuals with NGF-related conditions. This variant is not present in population databases (ExAC no frequency). This sequence change replaces arginine with lysine at codon 130 of the NGF protein (p.Arg130Lys). The arginine residue is highly conserved and there is a small physicochemical difference between arginine and lysine.

NM_002506.3(NGF):c.389G>A (p.Arg130Lys)

Genes: NGF (nerve growth factor; minus strand), NGF-AS1 (NGF antisense RNA 1; plus strand). Cytogenetic location: 1p13.2.
Variant type: single nucleotide variant.
Coding change: c.389G>A on transcript NM_002506.3 (MANE Select); coding-DNA position 389, G replaced by A.
Protein change: p.Arg130Lys; replaces arginine 130 with lysine.
Molecular consequence: missense variant.
Genome position (GRCh38, 1-based): chr1:115,286,407, C>T on the plus strand (G>A on the coding strand, the complement: NGF is on the minus strand). VCF-style: chr1-115286407-C-T. GRCh37 (hg19) VCF-style: chr1-115829028-C-T.
Other names: short protein forms R130K.
Identifiers: ClinVar variation 1435816 (VCV001435816.8), dbSNP rs2101018849, ClinGen allele CA341836659.